The following is an entry in ClinVar:

ClinVar aggregate classification (germline): Uncertain significance (1 of 4 stars; one submission).

Conditions:
Familial adenomatous polyposis 1 (FAP1). Also called: FAMILIAL ADENOMATOUS POLYPOSIS 1, ATTENUATED; POLYPOSIS, ADENOMATOUS INTESTINAL. Identifiers: MedGen C2713442, MONDO:0021056, OMIM 175100. Disease mechanism: loss of function.

Submission:

Labcorp Genetics (formerly Invitae), Labcorp
Classification: Uncertain significance for Familial adenomatous polyposis 1. Last evaluated: 2024-04-16. Review status: criteria provided, single submitter. Criteria: Invitae Variant Classification Sherloc (09022015). Collection method: clinical testing. Allele origin: germline.
Comment: This sequence change replaces serine, which is neutral and polar, with arginine, which is basic and polar, at codon 2601 of the APC protein (p.Ser2601Arg). This variant is not present in population databases (gnomAD no frequency). This missense change has been observed in individual(s) with biliary tract cancer (PMID: 36243179). ClinVar contains an entry for this variant (Variation ID: 1378873). Advanced modeling of protein sequence and biophysical properties (such as structural, functional, and spatial information, amino acid conservation, physicochemical variation, residue mobility, and thermodynamic stability) performed at Invitae indicates that this missense variant is not expected to disrupt APC protein function with a negative predictive value of 95%. In summary, the available evidence is currently insufficient to determine the role of this variant in disease. Therefore, it has been classified as a Variant of Uncertain Significance.

Literature cited by the submitters: PubMed 36243179.

NM_000038.6(APC):c.7801A>C (p.Ser2601Arg)

Gene: APC (APC regulator of Wnt signaling pathway; plus strand). Cytogenetic location: 5q22.2.
Variant type: single nucleotide variant.
Coding change: c.7801A>C on transcript NM_000038.6 (MANE Select); coding-DNA position 7801, A replaced by C.
Protein change: p.Ser2601Arg; replaces serine 2601 with arginine.
Molecular consequence: missense variant.
Genome position (GRCh38, 1-based): chr5:112,843,395, A>C. VCF-style: chr5-112843395-A-C. GRCh37 (hg19) VCF-style: chr5-112179092-A-C.
Other names: c.7801A>C, p.Ser2601Arg (NM_001127510.3, NM_001354895.2); c.7747A>C, p.Ser2583Arg (NM_001127511.3); c.7855A>C, p.Ser2619Arg (NM_001354896.2); c.7831A>C, p.Ser2611Arg (NM_001354897.2); c.7726A>C, p.Ser2576Arg (NM_001354898.2); c.7717A>C, p.Ser2573Arg (NM_001354899.2); c.7678A>C, p.Ser2560Arg (NM_001354900.2); c.7624A>C, p.Ser2542Arg (NM_001354901.2); and 5 more; short protein forms S2318R, S2542R, S2500R, S2560R, S2601R, S2611R, S2619R, S2441R.
Identifiers: ClinVar variation 1378873 (VCV001378873.6), dbSNP rs2149994091, ClinGen allele CA16038274.